The following is an entry in ClinVar:

NM_001886.3(CRYBA4):c.171T>C (p.Phe57=)

Gene: CRYBA4 (crystallin beta A4; plus strand). Cytogenetic location: 22q12.1.
Variant type: single nucleotide variant.
Coding change: c.171T>C on transcript NM_001886.3 (MANE Select); coding-DNA position 171, T replaced by C.
Protein change: p.Phe57=; no amino-acid change (phenylalanine 57 retained).
Molecular consequence: synonymous variant.
Genome position (GRCh38, 1-based): chr22:26,625,493, T>C. VCF-style: chr22-26625493-T-C. GRCh37 (hg19) VCF-style: chr22-27021457-T-C.
Identifiers: ClinVar variation 258487 (VCV000258487.16), dbSNP rs5761637, ClinGen allele CA10165726.

ClinVar aggregate classification (germline): Benign. Review status: criteria provided, multiple submitters, no conflicts (2 of 4 stars). 5 submissions from 5 submitters: Benign (5). Last evaluated 2026-02-02.

Conditions:
Cataract 23 (CTRCT23). Also called: Cataract 23, multiple types; CATARACT 23, LAMELLAR. Identifiers: Orphanet 91492, MedGen C3808012, MONDO:0012489, OMIM 610425.

Allele frequency attached by ClinVar (database versions not stated): gnomAD exomes 0.85659 and 0.89592; ESP Exome Variant Server 0.87337; gnomAD 0.88601 and 0.88829; TOPMed 0.88870; ExAC 0.89265; 1000 Genomes Project 30x 0.92146; 1000 Genomes Project 0.92372.
gnomAD v4.1: 1,388,106 of 1,613,620 alleles (86%); highest among the groups gnomAD compares: East Asian, 100%; 598,763 homozygotes.

Submissions (5):

Labcorp Genetics (formerly Invitae), Labcorp
Classification: Benign for Cataract 23. Last evaluated: 2026-02-02. Review status: criteria provided, single submitter. Criteria: Invitae Variant Classification Sherloc (09022015). Collection method: clinical testing. Allele origin: germline.

Genome-Nilou Lab
Classification: Benign for Cataract 23. Last evaluated: 2021-07-30. Review status: criteria provided, single submitter. Criteria: ACMG Guidelines, 2015. Collection method: clinical testing. Allele origin: germline. Affected: no.

GeneDx
Classification: Benign. Last evaluated: 2018-03-22. Review status: criteria provided, single submitter. Criteria: GeneDx Variant Classification (06012015). Collection method: clinical testing. Allele origin: germline. Affected: yes.
Comment: This variant is considered likely benign or benign based on one or more of the following criteria: it is a conservative change, it occurs at a poorly conserved position in the protein, it is predicted to be benign by multiple in silico algorithms, and/or has population frequency not consistent with disease.

Breakthrough Genomics
Classification: Benign. Review status: criteria provided, single submitter. Criteria: ACMG Guidelines, 2015. Collection method: not provided. Allele origin: germline. Inheritance: Unknown mechanism. Affected: yes.

PreventionGenetics, part of Exact Sciences
Classification: Benign. Review status: criteria provided, single submitter. Criteria: ACMG Guidelines, 2015. Collection method: clinical testing. Allele origin: germline.